The following is an entry in ClinVar:

NM_032590.5(KDM2B):c.83_84del (p.Thr28fs)

Genes: KDM2B (lysine demethylase 2B; minus strand), KDM2B-DT (KDM2B divergent transcript; plus strand). Cytogenetic location: 12q24.31.
Variant type: Deletion.
Coding change: c.83_84del on transcript NM_032590.5 (MANE Select); coding-DNA positions 83 to 84, 2 bases deleted (CA; older notation c.83_84delCA).
Protein change: p.Thr28fs; shifts the reading frame from threonine 28.
Molecular consequence: frameshift variant.
Genome position (GRCh38, 1-based): chr12:121,580,828-121,580,829, TG deleted on the plus strand (CA on the coding strand, the reverse complement: KDM2B is on the minus strand); deleting any 2 consecutive bases within chr12:121,580,828-121,580,830 gives the same sequence; the c. name uses the placement nearest the transcript's 3' end. VCF-style (leftmost placement, unchanged base first): chr12-121580827-CTG-C. GRCh37 (hg19) VCF-style: chr12-122018732-CTG-C.
Other names: c.83_84del (NM_032590.4); short protein forms T28fs.
Identifiers: ClinVar variation 777690 (VCV000777690.28), dbSNP rs575373073, ClinGen allele CA6837369.
Genomic context (GRCh38, chr12:121,580,827, plus strand): 5'-ACCCCTCCCCCAACATTACCTGTGTGGCCGACTCAAATTCAAAGCATTTTGTATATATAA[CTG>C]TTTTCTTTTTTTGCTTTTCTGCTGCATGTCTTTTTCGTGGGGGGTGATCCTCTGCAGATC-3'

ClinVar aggregate classification (germline): Likely benign. Review status: criteria provided, multiple submitters, no conflicts (2 of 4 stars). 2 submissions from 2 submitters: Likely benign (2). Last evaluated 2026-04-01.

Submissions (2):

CeGaT Center for Human Genetics Tuebingen
Classification: Likely benign. Last evaluated: 2026-04-01. Review status: criteria provided, single submitter. Criteria: CeGaT Center For Human Genetics Tuebingen Variant Classification Criteria Version 2. Collection method: clinical testing. Allele origin: germline. Affected: yes. Observed: 11 variant alleles.
Comment: KDM2B: BS2

Labcorp Genetics (formerly Invitae), Labcorp
Classification: Likely benign. Last evaluated: 2019-12-29. Review status: criteria provided, single submitter. Criteria: Invitae Variant Classification Sherloc (09022015). Collection method: clinical testing. Allele origin: germline.